The following is an entry in ClinVar:

ClinVar aggregate classification (germline): Uncertain significance (1 of 4 stars; one submission).

Conditions:
WDPCP-related disorder. Also called: WDPCP-related condition.

Submission:

PreventionGenetics, part of Exact Sciences
Classification: Uncertain significance for WDPCP-related condition. Last evaluated: 2024-12-17. Review status: criteria provided, single submitter. Criteria: ACMG Guidelines, 2015. Collection method: clinical testing. Allele origin: germline.
Comment: The WDPCP c.578T>A variant is predicted to result in the amino acid substitution p.Met193Lys. To our knowledge, this variant has not been reported in the literature. This variant is reported in 0.010% of alleles in individuals of South Asian descent in gnomAD. At this time, the clinical significance of this variant is uncertain due to the absence of conclusive functional and genetic evidence.

NM_015910.7(WDPCP):c.578T>A (p.Met193Lys)

Gene: WDPCP (WD repeat containing planar cell polarity effector; minus strand). Cytogenetic location: 2p15.
Variant type: single nucleotide variant.
Coding change: c.578T>A on transcript NM_015910.7 (MANE Select); coding-DNA position 578, T replaced by A.
Protein change: p.Met193Lys; replaces methionine 193 with lysine.
Molecular consequence: missense variant. On other transcripts: non-coding transcript variant (3).
Genome position (GRCh38, 1-based): chr2:63,437,476, A>T on the plus strand (T>A on the coding strand, the complement: WDPCP is on the minus strand). VCF-style: chr2-63437476-A-T. GRCh37 (hg19) VCF-style: chr2-63664610-A-T.
Other names: c.101T>A, p.Met34Lys (NM_001042692.3); c.506T>A, p.Met169Lys (NM_001354044.2); c.578T>A, p.Met193Lys (NM_001354045.2); short protein forms M169K, M193K, M34K.
Identifiers: ClinVar variation 5000033 (VCV005000033.1).